The following is an entry in ClinVar:

NM_000194.3(HPRT1):c.589G>A (p.Glu197Lys)

Gene: HPRT1 (hypoxanthine phosphoribosyltransferase 1; plus strand). Cytogenetic location: Xq26.2.
Variant type: single nucleotide variant.
Coding change: c.589G>A on transcript NM_000194.3 (MANE Select); coding-DNA position 589, G replaced by A.
Protein change: p.Glu197Lys; replaces glutamic acid 197 with lysine.
Molecular consequence: missense variant.
Genome position (GRCh38, 1-based): chrX:134,498,664, G>A. VCF-style: chrX-134498664-G-A. GRCh37 (hg19) VCF-style: chrX-133632694-G-A.
Other names: short protein forms E197K.
Identifiers: ClinVar variation 4854088 (VCV004854088.1).

ClinVar aggregate classification (germline): Uncertain significance (1 of 4 stars; one submission).

Conditions:
Lesch-Nyhan syndrome (LNS). Also called: HPRT DEFICIENCY, COMPLETE; Lesch-Nyhan Disease (LND). Identifiers: Orphanet 510, MedGen C0023374, MONDO:0010298, OMIM 300322.

Submission:

3billion
Classification: Uncertain significance for Lesch-Nyhan syndrome. Last evaluated: 2025-05-12. Review status: criteria provided, single submitter. Criteria: ACMG Guidelines, 2015. Collection method: clinical testing. Allele origin: germline. Affected: yes.
Comment: The variant is not observed in the gnomAD v4.1.0 dataset. Predicted Consequence/Location: Missense variant In silico tool predictions suggest damaging effect of the variant on gene or gene product [REVEL: 0.92 (>=0.6, sensitivity 0.68 and specificity 0.92); 3Cnet: 0.92 (> 0.75, sensitivity 0.96 and precision 0.92)]. A different missense change at the same codon (p.Glu197Val) has been reported to be associated with HPRT1-related disorder (PMID: 11018746). Therefore, this variant is classified as VUS according to the recommendation of ACMG/AMP guideline.

Literature cited by the submitters: PubMed 11018746.